The following is an entry in ClinVar:

ClinVar aggregate classification (germline): Uncertain significance (1 of 4 stars; one submission).

Conditions:
Autosomal recessive early-onset Parkinson disease 6 (PARK6). Also called: PARKINSON DISEASE 6, EARLY-ONSET; PINK1 Type of Young-Onset Parkinson Disease; PINK1-Related Parkinson Disease; PARKINSON DISEASE 6, MODIFIER OF. Identifiers: Orphanet 2828, MedGen C1853833, MONDO:0011613, OMIM 605909.

Allele frequency attached by ClinVar (database versions not stated): gnomAD exomes 0.00001; gnomAD 0.00002; TOPMed 0.00003.
gnomAD v4.1: 12 of 1,610,698 alleles (0.00075%); highest among the groups gnomAD compares: Admixed American, 0.0067%; no homozygotes.

Submission:

Labcorp Genetics (formerly Invitae), Labcorp
Classification: Uncertain significance for Autosomal recessive early-onset Parkinson disease 6. Last evaluated: 2022-04-15. Review status: criteria provided, single submitter. Criteria: Invitae Variant Classification Sherloc (09022015). Collection method: clinical testing. Allele origin: germline.
Comment: In summary, the available evidence is currently insufficient to determine the role of this variant in disease. Therefore, it has been classified as a Variant of Uncertain Significance. Algorithms developed to predict the effect of missense changes on protein structure and function are either unavailable or do not agree on the potential impact of this missense change (SIFT: "Tolerated"; PolyPhen-2: "Possibly Damaging"; Align-GVGD: "Class C0"). This variant has not been reported in the literature in individuals affected with PINK1-related conditions. The frequency data for this variant in the population databases is considered unreliable, as metrics indicate poor data quality at this position in the gnomAD database. This sequence change replaces glutamic acid, which is acidic and polar, with lysine, which is basic and polar, at codon 252 of the PINK1 protein (p.Glu252Lys).

NM_032409.3(PINK1):c.754G>A (p.Glu252Lys)

Gene: PINK1 (PTEN induced kinase 1; plus strand). Cytogenetic location: 1p36.12.
Variant type: single nucleotide variant.
Coding change: c.754G>A on transcript NM_032409.3 (MANE Select); coding-DNA position 754, G replaced by A.
Protein change: p.Glu252Lys; replaces glutamic acid 252 with lysine.
Molecular consequence: missense variant.
Genome position (GRCh38, 1-based): chr1:20,639,970, G>A. VCF-style: chr1-20639970-G-A. GRCh37 (hg19) VCF-style: chr1-20966463-G-A.
Other names: short protein forms E252K.
Identifiers: ClinVar variation 2148686 (VCV002148686.2), dbSNP rs1310430648, ClinGen allele CA338859401.